The following is an entry in ClinVar:

NM_001387430.1(SH2B1):c.1898-259G>A

Gene: SH2B1 (SH2B adaptor protein 1; plus strand). Cytogenetic location: 16p11.2.
Variant type: single nucleotide variant.
Coding change: c.1898-259G>A on transcript NM_001387430.1 (MANE Select); 259 bases into the intron before coding-DNA position 1898, G replaced by A.
Molecular consequence: intron variant. On other transcripts: missense variant (5).
Genome position (GRCh38, 1-based): chr16:28,873,188, G>A. VCF-style: chr16-28873188-G-A. GRCh37 (hg19) VCF-style: chr16-28884509-G-A.
Other names: c.1916G>A, p.Ser639Asn (NM_001145796.2, NM_001145812.2, NM_015503.3); c.1969G>A, p.Ala657Thr (NM_001145797.2); c.908G>A, p.Ser303Asn (NM_001308294.2); c.1898-259G>A (NM_001308293.2, NM_001387404.1, NM_001145795.2); short protein forms S639N, A657T, S303N.
Identifiers: ClinVar variation 4993207 (VCV004993207.1).
Genomic context (GRCh38, chr16:28,873,188, plus strand): 5'-GCCCCACCGTCCCATCTGTCCCCACGTTGCCCCTCCCCCCAGGCCGGGAGCAGGCTGGGA[G>A]CCATGCGGGGGTGTGCGAGGGAGATGGATGCCACCCCGATGCCTCCTGCACCCTCATGCC-3'

ClinVar aggregate classification (germline): Uncertain significance (1 of 4 stars; one submission).

Conditions:
SH2B1-related disorder. Also called: SH2B1-related condition.

gnomAD v4.1: 3 of 1,581,280 alleles (0.00019%); highest among the groups gnomAD compares: Admixed American, 0.0056%; no homozygotes.

Submission:

PreventionGenetics, part of Exact Sciences
Classification: Uncertain significance for SH2B1-related condition. Last evaluated: 2025-12-04. Review status: criteria provided, single submitter. Criteria: ACMG Guidelines, 2015. Collection method: clinical testing. Allele origin: germline.
Comment: The SH2B1 c.1916G>A variant is predicted to result in the amino acid substitution p.Ser639Asn. To our knowledge, this variant has not been reported in the literature. This variant is reported in 0.0036% of alleles in individuals of Latino descent in gnomAD. At this time, the clinical significance of this variant is uncertain due to the absence of conclusive functional and genetic evidence.